The following is an entry in ClinVar:

NM_001080517.3(SETD5):c.3631+5G>A

Gene: SETD5 (SET domain containing 5; plus strand). Cytogenetic location: 3p25.3.
Variant type: single nucleotide variant.
Coding change: c.3631+5G>A on transcript NM_001080517.3 (MANE Select); 5 bases into the intron after coding-DNA position 3631, G replaced by A.
Molecular consequence: intron variant.
Genome position (GRCh38, 1-based): chr3:9,474,587, G>A. VCF-style: chr3-9474587-G-A. GRCh37 (hg19) VCF-style: chr3-9516271-G-A.
Other names: c.3337+5G>A (NM_001349451.2, NM_001292043.2).
Identifiers: ClinVar variation 2653480 (VCV002653480.24), dbSNP rs2473934189, ClinGen allele CA2695197727.

ClinVar aggregate classification (germline): Uncertain significance (1 of 4 stars; one submission).

Submission:

CeGaT Center for Human Genetics Tuebingen
Classification: Uncertain significance. Last evaluated: 2022-12-01. Review status: criteria provided, single submitter. Criteria: CeGaT Center For Human Genetics Tuebingen Variant Classification Criteria Version 2. Collection method: clinical testing. Allele origin: germline. Affected: yes. Observed: 2 variant alleles.
Comment: SETD5: PM2, PS2:Moderate, PP3